The following is an entry in ClinVar:

NM_001385012.1(NBEA):c.799C>T (p.Pro267Ser)

Gene: NBEA (neurobeachin; plus strand). Cytogenetic location: 13q13.3.
Variant type: single nucleotide variant.
Coding change: c.799C>T on transcript NM_001385012.1 (MANE Select); coding-DNA position 799, C replaced by T.
Protein change: p.Pro267Ser; replaces proline 267 with serine.
Molecular consequence: missense variant.
Genome position (GRCh38, 1-based): chr13:35,048,638, C>T. VCF-style: chr13-35048638-C-T. GRCh37 (hg19) VCF-style: chr13-35622775-C-T.
Other names: c.799C>T, p.Pro267Ser (NM_001379245.1, NM_015678.5); short protein forms P267S.
Identifiers: ClinVar variation 4975388 (VCV004975388.1).

ClinVar aggregate classification (germline): Uncertain significance (1 of 4 stars; one submission).

Submission:

GeneDx
Classification: Uncertain significance. Last evaluated: 2026-01-23. Review status: criteria provided, single submitter. Criteria: GeneDx Variant Classification Process June 2021. Collection method: clinical testing. Allele origin: germline.
Comment: Not observed at significant frequency in large population cohorts (gnomAD); In silico analysis supports that this missense variant has a deleterious effect on protein structure/function; Has not been previously published as pathogenic or benign to our knowledge